The following is an entry in ClinVar:

ClinVar aggregate classification (germline): Benign/Likely benign. Review status: criteria provided, multiple submitters, no conflicts (2 of 4 stars). 2 submissions from 2 submitters: Benign (1); Likely benign (1). Last evaluated 2024-08-30.

Conditions:
Autosomal dominant pseudohypoaldosteronism type 1. Also called: Pseudohypoaldosteronism, Type I, Autosomal Dominant; PHA I, AUTOSOMAL DOMINANT; Pseudohypoaldosteronism, Type I, Dominant. Identifiers: Orphanet 171871, Orphanet 756, MedGen C1449842, MONDO:0008329, OMIM 177735.

Allele frequency attached by ClinVar (database versions not stated): gnomAD 0.00006 and 0.00007; gnomAD exomes 0.00007 and 0.00016; ESP Exome Variant Server 0.00008; TOPMed 0.00008; ExAC 0.00013.
gnomAD v4.1: 117 of 1,614,068 alleles (0.0072%); highest among the groups gnomAD compares: Admixed American, 0.005%; no homozygotes.

Submissions (2):

Labcorp Genetics (formerly Invitae), Labcorp
Classification: Benign. Last evaluated: 2024-08-30. Review status: criteria provided, single submitter. Criteria: Invitae Variant Classification Sherloc (09022015). Collection method: clinical testing. Allele origin: germline.

Illumina Laboratory Services, Illumina
Classification: Likely benign for Autosomal dominant pseudohypoaldosteronism type 1. Last evaluated: 2018-01-13. Review status: criteria provided, single submitter. Criteria: ICSL Variant Classification Criteria 13 December 2019. Collection method: clinical testing. Allele origin: germline.
Comment: This variant was observed in the ICSL laboratory as part of a predisposition screen in an ostensibly healthy population. It had not been previously curated by ICSL or reported in the Human Gene Mutation Database (HGMD: prior to June 1st, 2018), and was therefore a candidate for classification through an automated scoring system. Utilizing variant allele frequency, disease prevalence and penetrance estimates, and inheritance mode, an automated score was calculated to assess if this variant is too frequent to cause the disease. Based on the score and internal cut-off values, a variant classified as likely benign is not then subjected to further curation. The score for this variant resulted in a classification of likely benign for this disease.

NM_000901.5(NR3C2):c.534C>T (p.Arg178=)

Gene: NR3C2 (nuclear receptor subfamily 3 group C member 2; minus strand). Cytogenetic location: 4q31.23.
Variant type: single nucleotide variant.
Coding change: c.534C>T on transcript NM_000901.5 (MANE Select); coding-DNA position 534, C replaced by T.
Protein change: p.Arg178=; no amino-acid change (arginine 178 retained).
Molecular consequence: synonymous variant. On other transcripts: non-coding transcript variant (1).
Genome position (GRCh38, 1-based): chr4:148,436,327, G>A on the plus strand (C>T on the coding strand, the complement: NR3C2 is on the minus strand). VCF-style: chr4-148436327-G-A. GRCh37 (hg19) VCF-style: chr4-149357479-G-A.
Other names: c.534C>T, p.Arg178= (NM_001166104.2, NM_001354819.1).
Identifiers: ClinVar variation 347736 (VCV000347736.7), dbSNP rs201996429, ClinGen allele CA3100451.